The following is an entry in ClinVar:

NM_173630.4(RTTN):c.898C>T (p.His300Tyr)

Gene: RTTN (rotatin; minus strand). Cytogenetic location: 18q22.2.
Variant type: single nucleotide variant.
Coding change: c.898C>T on transcript NM_173630.4 (MANE Select); coding-DNA position 898, C replaced by T.
Protein change: p.His300Tyr; replaces histidine 300 with tyrosine.
Molecular consequence: missense variant. On other transcripts: 5 prime UTR variant (1).
Genome position (GRCh38, 1-based): chr18:70,193,397, G>A on the plus strand (C>T on the coding strand, the complement: RTTN is on the minus strand). VCF-style: chr18-70193397-G-A. GRCh37 (hg19) VCF-style: chr18-67860633-G-A.
Other names: c.-1656C>T (NM_001318520.2); short protein forms H300Y.
Identifiers: ClinVar variation 1963512 (VCV001963512.5), dbSNP rs1008766366, ClinGen allele CA301958840.

ClinVar aggregate classification (germline): Uncertain significance (1 of 4 stars; one submission).

Submission:

Labcorp Genetics (formerly Invitae), Labcorp
Classification: Uncertain significance. Last evaluated: 2022-05-03. Review status: criteria provided, single submitter. Criteria: Invitae Variant Classification Sherloc (09022015). Collection method: clinical testing. Allele origin: germline.
Comment: In summary, the available evidence is currently insufficient to determine the role of this variant in disease. Therefore, it has been classified as a Variant of Uncertain Significance. Algorithms developed to predict the effect of missense changes on protein structure and function are either unavailable or do not agree on the potential impact of this missense change (SIFT: "Deleterious"; PolyPhen-2: "Benign"; Align-GVGD: "Class C0"). This variant has not been reported in the literature in individuals affected with RTTN-related conditions. This variant is not present in population databases (gnomAD no frequency). This sequence change replaces histidine, which is basic and polar, with tyrosine, which is neutral and polar, at codon 300 of the RTTN protein (p.His300Tyr).